The following is an entry in ClinVar:

NM_001903.5(CTNNA1):c.1566T>G (p.Asp522Glu)

Gene: CTNNA1 (catenin alpha 1; plus strand). Cytogenetic location: 5q31.2.
Variant type: single nucleotide variant.
Coding change: c.1566T>G on transcript NM_001903.5 (MANE Select); coding-DNA position 1566, T replaced by G.
Protein change: p.Asp522Glu; replaces aspartic acid 522 with glutamic acid.
Molecular consequence: missense variant.
Genome position (GRCh38, 1-based): chr5:138,924,529, T>G. VCF-style: chr5-138924529-T-G. GRCh37 (hg19) VCF-style: chr5-138260218-T-G.
Other names: c.1566T>G, p.Asp522Glu (NM_001290307.3, NM_001323982.2, NM_001323983.1 and 2 more transcripts); c.1257T>G, p.Asp419Glu (NM_001290309.3); c.1197T>G, p.Asp399Glu (NM_001290310.3); c.456T>G, p.Asp152Glu (NM_001290312.1, NM_001323987.1, NM_001323988.1 and 17 more transcripts); c.1473T>G, p.Asp491Glu (NM_001323986.2); c.117T>G, p.Asp39Glu (NM_001324006.1, NM_001324007.1, NM_001324008.1 and 2 more transcripts); c.363T>G, p.Asp121Glu (NM_001324011.1); c.213T>G, p.Asp71Glu (NM_001324012.1, NM_001324013.1); and 1 more; short protein forms D121E, D419E, D71E, D152E, D399E, D491E, D522E, D39E.
Identifiers: ClinVar variation 1394426 (VCV001394426.7), dbSNP rs2150287906, ClinGen allele CA361131718.
Genomic context (GRCh38, chr5:138,924,529, plus strand): 5'-GAAAGCCTCCTTCCTCATTCAACTTTTTGCTTGTTCTCCAGAGAATCACATTTTGGAAGA[T>G]GTGAACAAATGTGTCATTGCTCTCCAAGAGAAGGATGTGGATGGCCTGGACCGCACAGCT-3'
Protein context (NP_001894.2, residues 512-532): LAVSENHILE[Asp522Glu]VNKCVIALQE

ClinVar aggregate classification (germline): Uncertain significance. Review status: criteria provided, multiple submitters, no conflicts (2 of 4 stars). 2 submissions from 2 submitters: Uncertain significance (2). Last evaluated 2025-02-25.

Conditions:
Hereditary cancer-predisposing syndrome. Also called: Neoplastic Syndromes, Hereditary; Hereditary neoplastic syndrome; Tumor predisposition; Hereditary Cancer Syndrome. Identifiers: Orphanet 140162, MedGen C0027672, MeSH D009386, MONDO:0015356.

Submissions (2):

Labcorp Genetics (formerly Invitae), Labcorp
Classification: Uncertain significance. Last evaluated: 2025-02-25. Review status: criteria provided, single submitter. Criteria: Invitae Variant Classification Sherloc (09022015). Collection method: clinical testing. Allele origin: germline.
Comment: This sequence change replaces aspartic acid, which is acidic and polar, with glutamic acid, which is acidic and polar, at codon 522 of the CTNNA1 protein (p.Asp522Glu). This variant is not present in population databases (gnomAD no frequency). This variant has not been reported in the literature in individuals affected with CTNNA1-related conditions. ClinVar contains an entry for this variant (Variation ID: 1394426). Invitae Evidence Modeling of protein sequence and biophysical properties (such as structural, functional, and spatial information, amino acid conservation, physicochemical variation, residue mobility, and thermodynamic stability) indicates that this missense variant is not expected to disrupt CTNNA1 protein function with a negative predictive value of 80%. In summary, the available evidence is currently insufficient to determine the role of this variant in disease. Therefore, it has been classified as a Variant of Uncertain Significance.

Ambry Genetics
Classification: Uncertain significance for Hereditary cancer-predisposing syndrome. Last evaluated: 2024-12-02. Review status: criteria provided, single submitter. Criteria: Ambry Variant Classification Scheme 2023. Collection method: clinical testing. Allele origin: germline.
Comment: The p.D522E variant (also known as c.1566T>G), located in coding exon 11 of the CTNNA1 gene, results from a T to G substitution at nucleotide position 1566. The aspartic acid at codon 522 is replaced by glutamic acid, an amino acid with highly similar properties. This amino acid position is highly conserved in available vertebrate species. In addition, this alteration is predicted to be tolerated by in silico analysis. The evidence for this gene-disease relationship is limited; therefore, the clinical significance of this alteration is unclear.